The following is an entry in ClinVar:

NM_005591.4(MRE11):c.1017+1G>A

Gene: MRE11 (MRE11 double strand break repair nuclease; minus strand). Cytogenetic location: 11q21.
Variant type: single nucleotide variant.
Coding change: c.1017+1G>A on transcript NM_005591.4 (MANE Select); the canonical splice donor site of the intron after coding-DNA position 1017, G replaced by A.
Molecular consequence: splice donor variant.
Genome position (GRCh38, 1-based): chr11:94,470,470, C>T on the plus strand (G>A on the coding strand, the complement: MRE11 is on the minus strand). VCF-style: chr11-94470470-C-T. GRCh37 (hg19) VCF-style: chr11-94203636-C-T.
Other names: c.1017+1G>A (NM_001330347.2, NM_005590.4).
Identifiers: ClinVar variation 2794756 (VCV002794756.3), dbSNP rs2496481690, ClinGen allele CA382374176.

ClinVar aggregate classification (germline): Likely pathogenic (1 of 4 stars; one submission).

Conditions:
Ataxia-telangiectasia-like disorder (ATLD). Identifiers: MedGen C1858391, MONDO:0011457.

Submission:

Labcorp Genetics (formerly Invitae), Labcorp
Classification: Likely pathogenic for Ataxia-telangiectasia-like disorder. Last evaluated: 2023-10-05. Review status: criteria provided, single submitter. Criteria: Invitae Variant Classification Sherloc (09022015). Collection method: clinical testing. Allele origin: germline.
Comment: This sequence change affects a donor splice site in intron 9 of the MRE11 gene. It is expected to disrupt RNA splicing. Variants that disrupt the donor or acceptor splice site typically lead to a loss of protein function (PMID: 16199547), and loss-of-function variants in MRE11 are known to be pathogenic (PMID: 23080121, 23912341). This variant is not present in population databases (gnomAD no frequency). This variant has not been reported in the literature in individuals affected with MRE11-related conditions. Algorithms developed to predict the effect of sequence changes on RNA splicing suggest that this variant may disrupt the consensus splice site. In summary, the currently available evidence indicates that the variant is pathogenic, but additional data are needed to prove that conclusively. Therefore, this variant has been classified as Likely Pathogenic.

Literature cited by the submitters: PubMed 16199547; PubMed 23080121; PubMed 23912341.